The following is an entry in ClinVar:

NM_002894.3(RBBP8):c.*3G>A

Gene: RBBP8 (RB binding protein 8, endonuclease; plus strand). Cytogenetic location: 18q11.2.
Variant type: single nucleotide variant.
Coding change: c.*3G>A on transcript NM_002894.3 (MANE Select); 3 bases downstream of the stop codon, G replaced by A.
Molecular consequence: 3 prime UTR variant. On other transcripts: missense variant (1).
Genome position (GRCh38, 1-based): chr18:23,026,243, G>A. VCF-style: chr18-23026243-G-A. GRCh37 (hg19) VCF-style: chr18-20606206-G-A.
Other names: c.*3G>A (NM_203291.2); c.2600G>A, p.Arg867His (NM_203292.2); short protein forms R867H.
Identifiers: ClinVar variation 5002952 (VCV005002952.1).

ClinVar aggregate classification (germline): Uncertain significance (1 of 4 stars; one submission).

Conditions:
Seckel syndrome 2 (SCKL2). Also called: SECKEL-TYPE DWARFISM 2; MICROCEPHALIC PRIMORDIAL DWARFISM 2. Identifiers: Orphanet 808, MedGen C1847572, MONDO:0011715, OMIM 606744.

Submission:

OLLIN Analises Genomicas, OLLIN
Classification: Uncertain significance for Seckel syndrome 2. Last evaluated: 2026-08-06. Review status: criteria provided, single submitter. Criteria: ACMG Guidelines 2015 PMID 25741868. Collection method: clinical testing. Allele origin: germline.
Comment: This variant, located in exon 19 (of 19), has been observed in gnomAD with an allele frequency of 0.0024%, but has not been reported in ClinVar or identified in the literature. According to the currently available evidence, this variant has been classified as uncertain significance (PM2_P, BP4_M).